The following is an entry in ClinVar:

ClinVar aggregate classification (germline): Uncertain significance (1 of 4 stars; one submission).

Conditions:
GPHN-related disorder. Also called: GPHN-related condition.

Submission:

PreventionGenetics, part of Exact Sciences
Classification: Uncertain significance for GPHN-related condition. Last evaluated: 2023-09-05. Review status: criteria provided, single submitter. Criteria: ACMG Guidelines, 2015. Collection method: clinical testing. Allele origin: germline.
Comment: The GPHN c.1064delC variant is predicted to result in a frameshift and premature protein termination (p.Pro355Leufs*2). To our knowledge, this variant has not been reported in the literature or in a large population database, indicating it is rare. Premature termination variants in GPHN have not been definitively established to cause disease by either dominant or recessive modes of inheritance. However, gnomAD constraint data indicate that this gene is intolerant to loss-of-function variation, and two large deletions in GPHN have been associated with epilepsy in the literature with presumed dominant inheritance (Fernández-Marmiesse et al. 2019. PubMed ID: 31780880). Although we suspect that this variant may be pathogenic, at this time, the clinical significance of this variant is uncertain due to the absence of conclusive functional and genetic evidence.

NM_020806.5(GPHN):c.1064del (p.Pro355fs)

Gene: GPHN (gephyrin; plus strand). Cytogenetic location: 14q23.3.
Variant type: Deletion.
Coding change: c.1064del on transcript NM_020806.5 (MANE Select); coding-DNA position 1064, one base deleted (C; older notation c.1064delC).
Protein change: p.Pro355fs; shifts the reading frame from proline 355.
Molecular consequence: frameshift variant.
Genome position (GRCh38, 1-based): chr14:67,058,706, C deleted; the last of 2 consecutive C bases (chr14:67,058,705-67,058,706); deleting either gives the same sequence. VCF-style (leftmost placement, unchanged base first): chr14-67058704-TC-T. GRCh37 (hg19) VCF-style: chr14-67525421-TC-T.
Other names: c.965del, p.Pro322fs (NM_001024218.2); c.1124del, p.Pro375fs (NM_001377514.1); c.1094del, p.Pro365fs (NM_001377515.1); c.1085del, p.Pro362fs (NM_001377516.1); c.1037del, p.Pro346fs (NM_001377517.1); c.1022del, p.Pro341fs (NM_001377518.1); c.1004del, p.Pro335fs (NM_001377519.1); short protein forms P322fs, P335fs, P341fs, P346fs, P355fs, P362fs, P365fs, P375fs.
Identifiers: ClinVar variation 2631527 (VCV002631527.1), dbSNP rs2542613189, ClinGen allele CA2695199830.